The following is an entry in ClinVar:

NM_003334.4(UBA1):c.92C>G (p.Ser31Cys)

Genes: UBA1 (ubiquitin like modifier activating enzyme 1; plus strand), LOC126863253 (CDK7 strongly-dependent group 2 enhancer GRCh37_chrX:47057593-47058792; plus strand). Cytogenetic location: Xp11.3.
Variant type: single nucleotide variant.
Coding change: c.92C>G on transcript NM_003334.4 (MANE Select); coding-DNA position 92, C replaced by G.
Protein change: p.Ser31Cys; replaces serine 31 with cysteine.
Molecular consequence: missense variant.
Genome position (GRCh38, 1-based): chrX:47,198,894, C>G. VCF-style: chrX-47198894-C-G. GRCh37 (hg19) VCF-style: chrX-47058293-C-G.
Other names: c.92C>G, p.Ser31Cys (NM_153280.3); short protein forms S31C.
Identifiers: ClinVar variation 2067822 (VCV002067822.4), dbSNP rs1556786446, ClinGen allele CA412786475.

ClinVar aggregate classification (germline): Uncertain significance (1 of 4 stars; one submission).

Conditions:
Infantile-onset X-linked spinal muscular atrophy. Also called: Spinal muscular atrophy, X-linked 2; SPINAL MUSCULAR ATROPHY, X-LINKED LETHAL INFANTILE; AMC, DISTAL, X-LINKED; ARTHROGRYPOSIS, X-LINKED, TYPE I; Spinal Muscular Atrophy, X-Linked Infantile. Identifiers: Orphanet 1145, MedGen C1844934, MONDO:0010532, OMIM 301830.

gnomAD v4.1: 1 of 1,212,123 alleles (0.000082%); highest among the groups gnomAD compares: Non-Finnish European, 0.00011%; no homozygotes.

Submission:

Labcorp Genetics (formerly Invitae), Labcorp
Classification: Uncertain significance for Infantile-onset X-linked spinal muscular atrophy. Last evaluated: 2021-12-31. Review status: criteria provided, single submitter. Criteria: Invitae Variant Classification Sherloc (09022015). Collection method: clinical testing. Allele origin: germline.
Comment: This variant has not been reported in the literature in individuals affected with UBA1-related conditions. This sequence change replaces serine, which is neutral and polar, with cysteine, which is neutral and slightly polar, at codon 31 of the UBA1 protein (p.Ser31Cys). This variant is present in population databases (no rsID available, gnomAD 0.001%). Algorithms developed to predict the effect of missense changes on protein structure and function are either unavailable or do not agree on the potential impact of this missense change (SIFT: "Deleterious"; PolyPhen-2: "Benign"; Align-GVGD: "Class C0"). In summary, the available evidence is currently insufficient to determine the role of this variant in disease. Therefore, it has been classified as a Variant of Uncertain Significance.